The following is an entry in ClinVar:

NM_003239.5(TGFB3):c.592G>A (p.Glu198Lys)

Gene: TGFB3 (transforming growth factor beta 3; minus strand). Cytogenetic location: 14q24.3.
Variant type: single nucleotide variant.
Coding change: c.592G>A on transcript NM_003239.5 (MANE Select); coding-DNA position 592, G replaced by A.
Protein change: p.Glu198Lys; replaces glutamic acid 198 with lysine.
Molecular consequence: missense variant.
Genome position (GRCh38, 1-based): chr14:75,971,180, C>T on the plus strand (G>A on the coding strand, the complement: TGFB3 is on the minus strand). VCF-style: chr14-75971180-C-T. GRCh37 (hg19) VCF-style: chr14-76437523-C-T.
Other names: c.592G>A, p.Glu198Lys (NM_001329938.2, NM_001329939.2); short protein forms E198K.
Identifiers: ClinVar variation 2150165 (VCV002150165.5), dbSNP rs778797205, ClinGen allele CA7280396.

ClinVar aggregate classification (germline): Conflicting classifications of pathogenicity. Review status: criteria provided, conflicting classifications (1 of 4 stars). 4 submissions from 4 submitters: Uncertain significance (3); Likely benign (1). Last evaluated 2024-11-19.

Conditions:
Rienhoff syndrome. Also called: LOEYS-DIETZ SYNDROME 5. Identifiers: MedGen C3810012, MONDO:0014262, OMIM 615582.

Allele frequency attached by ClinVar (database versions not stated): gnomAD exomes 0.00001; TOPMed 0.00001; ExAC 0.00002; gnomAD 0.00002.
gnomAD v4.1: 25 of 1,614,024 alleles (0.0015%); highest among the groups gnomAD compares: Non-Finnish European, 0.0019%; no homozygotes.

Submissions (4):

GeneDx
Classification: Uncertain significance. Last evaluated: 2024-11-19. Review status: criteria provided, single submitter. Criteria: GeneDx Variant Classification Process June 2021. Collection method: clinical testing. Allele origin: germline. Affected: yes.
Comment: Has not been previously published as pathogenic or benign to our knowledge; Not observed at significant frequency in large population cohorts (gnomAD); In silico analysis indicates that this missense variant does not alter protein structure/function

ARUP Laboratories, Molecular Genetics and Genomics, ARUP Laboratories
Classification: Uncertain significance. Last evaluated: 2024-08-14. Review status: criteria provided, single submitter. Criteria: ARUP Molecular Germline Variant Investigation Process 2024. Collection method: clinical testing. Allele origin: germline.
Comment: The TGFB3 c.592G>A; p.Glu198Lys variant (rs778797205), to our knowledge, is not reported in the medical literature but is reported in ClinVar (Variation ID: 2150165). This variant is found in the general population with an overall allele frequency of 0.0014% (4/282696 alleles) in the Genome Aggregation Database (v2.1.1). Computational analyses are uncertain whether this variant is neutral or deleterious (REVEL: 0.347). Due to limited information, the clinical significance of this variant is uncertain at this time.

Blueprint Genetics
Classification: Likely benign. Last evaluated: 2023-05-12. Review status: criteria provided, single submitter. Criteria: ACMG Guidelines, 2015. Collection method: clinical testing. Allele origin: germline.

Labcorp Genetics (formerly Invitae), Labcorp
Classification: Uncertain significance for Rienhoff syndrome. Last evaluated: 2022-10-02. Review status: criteria provided, single submitter. Criteria: Invitae Variant Classification Sherloc (09022015). Collection method: clinical testing. Allele origin: germline.
Comment: This variant has not been reported in the literature in individuals affected with TGFB3-related conditions. In summary, the available evidence is currently insufficient to determine the role of this variant in disease. Therefore, it has been classified as a Variant of Uncertain Significance. Advanced modeling of protein sequence and biophysical properties (such as structural, functional, and spatial information, amino acid conservation, physicochemical variation, residue mobility, and thermodynamic stability) performed at Invitae indicates that this missense variant is not expected to disrupt TGFB3 protein function. This variant is present in population databases (rs778797205, gnomAD 0.004%). This sequence change replaces glutamic acid, which is acidic and polar, with lysine, which is basic and polar, at codon 198 of the TGFB3 protein (p.Glu198Lys).